The following is an entry in ClinVar:

NM_003072.5(SMARCA4):c.1762-15T>C

Gene: SMARCA4 (SWI/SNF related BAF chromatin remodeling complex subunit ATPase 4; plus strand). Cytogenetic location: 19p13.2.
Variant type: single nucleotide variant.
Coding change: c.1762-15T>C on transcript NM_003072.5 (MANE Select); 15 bases into the intron before coding-DNA position 1762, T replaced by C.
Molecular consequence: intron variant.
Genome position (GRCh38, 1-based): chr19:10,996,479, T>C. VCF-style: chr19-10996479-T-C. GRCh37 (hg19) VCF-style: chr19-11107155-T-C.
Other names: c.1762-15T>C (NM_001128844.3, NM_001128849.3, NM_001128847.4 and 6 more transcripts).
Identifiers: ClinVar variation 5042087 (VCV005042087.1).

ClinVar aggregate classification (germline): Likely benign (1 of 4 stars; one submission).

Conditions:
Rhabdoid tumor predisposition syndrome 2 (RTPS2). Identifiers: Orphanet 231108, Orphanet 69077, MedGen C2750074, MONDO:0013224, OMIM 613325.

Submission:

Myriad Genetics, Inc.
Classification: Likely benign for Rhabdoid tumor predisposition syndrome 2. Last evaluated: 2026-07-07. Review status: criteria provided, single submitter. Criteria: Myriad Autosomal Dominant, Autosomal Recessive and X-Linked Classification Criteria (2023). Collection method: clinical testing. Allele origin: unknown.
Comment: This variant is considered likely benign. This variant is intronic and is not expected to impact mRNA splicing.